The following is an entry in ClinVar:

ClinVar aggregate classification (germline): Likely pathogenic (1 of 4 stars; one submission).

Conditions:
Early-infantile DEE. Also called: Early infantile epileptic encephalopathy; Early infantile epileptic encephalopathy with suppression bursts; Ohtahara syndrome. Identifiers: Orphanet 1934, MedGen C0393706, MONDO:0800491.

Allele frequency attached by ClinVar (database versions not stated): gnomAD exomes 0.00001.
gnomAD v4.1: 12 of 1,614,160 alleles (0.00074%); highest among the groups gnomAD compares: Non-Finnish European, 0.001%; no homozygotes.

Submission:

Labcorp Genetics (formerly Invitae), Labcorp
Classification: Likely pathogenic for Early-infantile DEE. Last evaluated: 2022-09-27. Review status: criteria provided, single submitter. Criteria: Invitae Variant Classification Sherloc (09022015). Collection method: clinical testing. Allele origin: germline.
Comment: In summary, the currently available evidence indicates that the variant is pathogenic, but additional data are needed to prove that conclusively. Therefore, this variant has been classified as Likely Pathogenic. Algorithms developed to predict the effect of missense changes on protein structure and function (SIFT, PolyPhen-2, Align-GVGD) all suggest that this variant is likely to be disruptive. ClinVar contains an entry for this variant (Variation ID: 530418). This missense change has been observed in individual(s) with clinical features of developmental and epileptic encephalopathy (PMID: 31452935; Invitae). In at least one individual the variant was observed to be de novo. This variant is not present in population databases (gnomAD no frequency). This sequence change replaces arginine, which is basic and polar, with cysteine, which is neutral and slightly polar, at codon 2124 of the SPTAN1 protein (p.Arg2124Cys).

Literature cited by the submitters: PubMed 31452935.

NM_001130438.3(SPTAN1):c.6370C>T (p.Arg2124Cys)

Gene: SPTAN1 (spectrin alpha, non-erythrocytic 1; plus strand). Cytogenetic location: 9q34.11.
Variant type: single nucleotide variant.
Coding change: c.6370C>T on transcript NM_001130438.3 (MANE Select); coding-DNA position 6370, C replaced by T.
Protein change: p.Arg2124Cys; replaces arginine 2124 with cysteine.
Molecular consequence: missense variant.
Genome position (GRCh38, 1-based): chr9:128,626,481, C>T. VCF-style: chr9-128626481-C-T. GRCh37 (hg19) VCF-style: chr9-131388760-C-T.
Other names: c.6295C>T, p.Arg2099Cys (NM_001195532.2); c.6370C>T, p.Arg2124Cys (NM_001363759.2); c.6310C>T, p.Arg2104Cys (NM_001363765.2); c.6355C>T, p.Arg2119Cys (NM_003127.4); short protein forms R2124C, R2099C, R2104C, R2119C.
Identifiers: ClinVar variation 530418 (VCV000530418.9), dbSNP rs1193718145, ClinGen allele CA375088545.